The following is an entry in ClinVar:

ClinVar aggregate classification (germline): Benign/Likely benign. Review status: criteria provided, multiple submitters, no conflicts (2 of 4 stars). 6 submissions from 6 submitters: Benign (3); Likely benign (1). 2 of the submissions do not count toward it. Last evaluated 2026-01-26.

Conditions:
Congenital stationary night blindness 1C. Also called: Night blindness, congenital stationary (complete), 1C, autosomal recessive. Identifiers: Orphanet 215, MedGen C2750747, MONDO:0013183, OMIM 613216.

Allele frequency attached by ClinVar (database versions not stated): gnomAD exomes 0.00046 and 0.00110; ExAC 0.00131; 1000 Genomes Project 0.00439; ESP Exome Variant Server 0.00466; gnomAD 0.00475 and 0.00511; TOPMed 0.00523; 1000 Genomes Project 30x 0.00547.
gnomAD v4.1: 1,407 of 1,614,186 alleles (0.087%); highest among the groups gnomAD compares: African/African-American, 1.7%; 14 homozygotes.

Submissions (6):

Labcorp Genetics (formerly Invitae), Labcorp
Classification: Benign. Last evaluated: 2026-01-26. Review status: criteria provided, single submitter. Criteria: Invitae Variant Classification Sherloc (09022015). Collection method: clinical testing. Allele origin: germline.

Blueprint Genetics
Classification: Likely benign. Last evaluated: 2024-11-13. Review status: criteria provided, single submitter. Criteria: ACMG Guidelines, 2015. Collection method: clinical testing. Allele origin: germline.

Illumina Laboratory Services, Illumina
Classification: Benign for Congenital stationary night blindness 1C. Last evaluated: 2018-01-13. Review status: criteria provided, single submitter. Criteria: ICSL Variant Classification Criteria 13 December 2019. Collection method: clinical testing. Allele origin: germline.
Comment: This variant was observed in the ICSL laboratory as part of a predisposition screen in an ostensibly healthy population. It had not been previously curated by ICSL or reported in the Human Gene Mutation Database (HGMD: prior to June 1st, 2018), and was therefore a candidate for classification through an automated scoring system. Utilizing variant allele frequency, disease prevalence and penetrance estimates, and inheritance mode, an automated score was calculated to assess if this variant is too frequent to cause the disease. Based on the score and internal cut-off values, a variant classified as benign is not then subjected to further curation. The score for this variant resulted in a classification of benign for this disease.

Breakthrough Genomics
Classification: Benign. Review status: criteria provided, single submitter. Criteria: ACMG Guidelines, 2015. Collection method: not provided. Allele origin: germline. Inheritance: Unknown mechanism. Affected: yes.

Clinical Genetics DNA and cytogenetics Diagnostics Lab, Erasmus MC, Erasmus Medical Center
Classification: Benign. Review status: no assertion criteria provided. Collection method: clinical testing. Allele origin: germline. Affected: yes. Study: VKGL Data-share Consensus. Not counted in ClinVar's aggregate classification.

Clinical Genetics, Academic Medical Center
Classification: Benign. Review status: no assertion criteria provided. Collection method: clinical testing. Allele origin: germline. Affected: yes. Study: VKGL Data-share Consensus. Not counted in ClinVar's aggregate classification.

NM_001252024.2(TRPM1):c.3938C>T (p.Thr1313Met)

Gene: TRPM1 (transient receptor potential cation channel subfamily M member 1; minus strand). Cytogenetic location: 15q13.3.
Variant type: single nucleotide variant.
Coding change: c.3938C>T on transcript NM_001252024.2 (MANE Select); coding-DNA position 3938, C replaced by T.
Protein change: p.Thr1313Met; replaces threonine 1313 with methionine.
Molecular consequence: missense variant.
Genome position (GRCh38, 1-based): chr15:31,002,762, G>A on the plus strand (C>T on the coding strand, the complement: TRPM1 is on the minus strand). VCF-style: chr15-31002762-G-A. GRCh37 (hg19) VCF-style: chr15-31294965-G-A.
Other names: c.3989C>T, p.Thr1330Met (NM_001252020.2); c.3872C>T, p.Thr1291Met (NM_002420.6); short protein forms T1291M, T1313M, T1330M.
Identifiers: ClinVar variation 315499 (VCV000315499.20), dbSNP rs114875010, ClinGen allele CA7451726.